The following is an entry in ClinVar:

NM_001378609.3(OTOGL):c.5429A>G (p.Lys1810Arg)

Gene: OTOGL (otogelin like; plus strand). Cytogenetic location: 12q21.31.
Variant type: single nucleotide variant.
Coding change: c.5429A>G on transcript NM_001378609.3 (MANE Select); coding-DNA position 5429, A replaced by G.
Protein change: p.Lys1810Arg; replaces lysine 1810 with arginine.
Molecular consequence: missense variant.
Genome position (GRCh38, 1-based): chr12:80,353,346, A>G. VCF-style: chr12-80353346-A-G. GRCh37 (hg19) VCF-style: chr12-80747126-A-G.
Other names: c.5429A>G, p.Lys1810Arg (NM_173591.7, NM_001378610.3); c.5294A>G, p.Lys1765Arg (NM_001368062.3); short protein forms K1765R, K1810R.
Identifiers: ClinVar variation 1698337 (VCV001698337.3), dbSNP rs755871184, ClinGen allele CA6701712.

ClinVar aggregate classification (germline): Uncertain significance (1 of 4 stars; one submission).

Allele frequency attached by ClinVar (database versions not stated): ExAC 0.00002; gnomAD exomes below 0.00001; TOPMed 0.00001.
gnomAD v4.1: 8 of 1,580,900 alleles (0.00051%); highest among the groups gnomAD compares: Middle Eastern, 0.017%; no homozygotes.

Submission:

GeneDx
Classification: Uncertain significance. Last evaluated: 2026-06-05. Review status: criteria provided, single submitter. Criteria: GeneDx Variant Classification Process June 2021. Collection method: clinical testing. Allele origin: germline.
Comment: Not observed at significant frequency in large population cohorts (gnomAD); In silico analysis suggests that this missense variant does not alter protein structure/function; Has not been previously published as pathogenic or benign to our knowledge